The following is an entry in ClinVar:

ClinVar aggregate classification (germline): Uncertain significance (1 of 4 stars; one submission).

Allele frequency attached by ClinVar (database versions not stated): gnomAD exomes below 0.00001.
gnomAD v4.1: 1 of 1,610,644 alleles (0.000062%); highest among the groups gnomAD compares: Admixed American, 0.0017%; no homozygotes.

Submission:

Labcorp Genetics (formerly Invitae), Labcorp
Classification: Uncertain significance. Last evaluated: 2025-11-08. Review status: criteria provided, single submitter. Criteria: Invitae Variant Classification Sherloc (09022015). Collection method: clinical testing. Allele origin: germline.
Comment: This sequence change falls in intron 18 of the KMT2A gene. It does not directly change the encoded amino acid sequence of the KMT2A protein. It affects a nucleotide within the consensus splice site. This variant is present in population databases (no rsID available, gnomAD 0.003%). This variant has not been reported in the literature in individuals affected with KMT2A-related conditions. ClinVar contains an entry for this variant (Variation ID: 2777248). Variants that disrupt the consensus splice site are a relatively common cause of aberrant splicing (PMID: 17576681, 9536098). Algorithms developed to predict the effect of sequence changes on RNA splicing suggest that this variant may disrupt the consensus splice site. In summary, the available evidence is currently insufficient to determine the role of this variant in disease. Therefore, it has been classified as a Variant of Uncertain Significance.

Literature cited by the submitters: PubMed 17576681; PubMed 9536098.

NM_001197104.2(KMT2A):c.5363+5G>A

Gene: KMT2A (lysine methyltransferase 2A; plus strand). Cytogenetic location: 11q23.3.
Variant type: single nucleotide variant.
Coding change: c.5363+5G>A on transcript NM_001197104.2 (MANE Select); 5 bases into the intron after coding-DNA position 5363, G replaced by A.
Molecular consequence: intron variant.
Genome position (GRCh38, 1-based): chr11:118,494,772, G>A. VCF-style: chr11-118494772-G-A. GRCh37 (hg19) VCF-style: chr11-118365487-G-A.
Other names: c.5453+5G>A (NM_001412597.1); c.5354+5G>A (NM_005933.4).
Identifiers: ClinVar variation 2777248 (VCV002777248.3), dbSNP rs1555043496, ClinGen allele CA602140839.
Genomic context (GRCh38, chr11:118,494,772, plus strand): 5'-CCATGGTTCAGTGTCAAAAAGTCCAGGTTTTGGGAGCCAAATAAAGTATCAAGCAAGTAA[G>A]TGAATTTAGCATAACTTTTTTTTCTCCTCATCGGCTAGAAATCTGAGAGTTCTCATATTT-3'